The following is an entry in ClinVar:

ClinVar aggregate classification (germline): Conflicting classifications of pathogenicity. Review status: criteria provided, conflicting classifications (1 of 4 stars). 2 submissions from 2 submitters: Uncertain significance (1); Likely benign (1). Last evaluated 2025-12-31.

Conditions:
Inborn genetic diseases. Identifiers: MedGen C0950123, MeSH D030342.
CHARGE syndrome (CHARGE). Also called: Hittner Hirsch Kreh syndrome; CHARGE ASSOCIATION--COLOBOMA, HEART ANOMALY, CHOANAL ATRESIA, RETARDATION, GENITAL AND EAR ANOMALIES; Coloboma, heart anomaly, choanal atresia, retardation, genital and ear anomalies; CHARGE association; Hall-Hittner syndrome. Identifiers: Orphanet 138, MedGen C0265354, MONDO:0008965.

Allele frequency attached by ClinVar (database versions not stated): gnomAD exomes below 0.00001.
gnomAD v4.1: 1 of 1,597,172 alleles (0.000063%); highest among the groups gnomAD compares: Admixed American, 0.0017%; no homozygotes.

Submissions (2):

Ambry Genetics
Classification: Likely benign for Inborn genetic diseases. Last evaluated: 2025-12-31. Review status: criteria provided, single submitter. Criteria: Ambry Variant Classification Scheme 2023. Collection method: clinical testing. Allele origin: germline.

Labcorp Genetics (formerly Invitae), Labcorp
Classification: Uncertain significance for CHARGE syndrome. Last evaluated: 2022-04-28. Review status: criteria provided, single submitter. Criteria: Invitae Variant Classification Sherloc (09022015). Collection method: clinical testing. Allele origin: germline.
Comment: In summary, the available evidence is currently insufficient to determine the role of this variant in disease. Therefore, it has been classified as a Variant of Uncertain Significance. Advanced modeling of protein sequence and biophysical properties (such as structural, functional, and spatial information, amino acid conservation, physicochemical variation, residue mobility, and thermodynamic stability) performed at Invitae indicates that this missense variant is not expected to disrupt CHD7 protein function. This variant has not been reported in the literature in individuals affected with CHD7-related conditions. This variant is not present in population databases (gnomAD no frequency). This sequence change replaces isoleucine, which is neutral and non-polar, with valine, which is neutral and non-polar, at codon 823 of the CHD7 protein (p.Ile823Val).

NM_017780.4(CHD7):c.2467A>G (p.Ile823Val)

Gene: CHD7 (chromodomain helicase DNA binding protein 7; plus strand). Cytogenetic location: 8q12.2.
Variant type: single nucleotide variant.
Coding change: c.2467A>G on transcript NM_017780.4 (MANE Select); coding-DNA position 2467, A replaced by G.
Protein change: p.Ile823Val; replaces isoleucine 823 with valine.
Molecular consequence: missense variant. On other transcripts: intron variant (1).
Genome position (GRCh38, 1-based): chr8:60,808,241, A>G. VCF-style: chr8-60808241-A-G. GRCh37 (hg19) VCF-style: chr8-61720800-A-G.
Other names: c.1716+27191A>G (NM_001316690.1); c.2467A>G (NM_017780.3); short protein forms I823V.
Identifiers: ClinVar variation 2195387 (VCV002195387.5), dbSNP rs2487727681, ClinGen allele CA371303913.